The following is an entry in ClinVar:

ClinVar aggregate classification (germline): Uncertain significance (1 of 4 stars; one submission).

Submission:

GeneDx
Classification: Uncertain significance. Last evaluated: 2023-03-23. Review status: criteria provided, single submitter. Criteria: GeneDx Variant Classification Process June 2021. Collection method: clinical testing. Allele origin: germline. Affected: yes.
Comment: Not observed at significant frequency in large population cohorts (gnomAD); In silico analysis supports that this missense variant does not alter protein structure/function; Has not been previously published as pathogenic or benign to our knowledge

NM_001020658.2(PUM1):c.1855C>T (p.Pro619Ser)

Gene: PUM1 (pumilio RNA binding family member 1; minus strand). Cytogenetic location: 1p35.2.
Variant type: single nucleotide variant.
Coding change: c.1855C>T on transcript NM_001020658.2 (MANE Select); coding-DNA position 1855, C replaced by T.
Protein change: p.Pro619Ser; replaces proline 619 with serine.
Molecular consequence: missense variant.
Genome position (GRCh38, 1-based): chr1:30,966,213, G>A on the plus strand (C>T on the coding strand, the complement: PUM1 is on the minus strand). VCF-style: chr1-30966213-G-A. GRCh37 (hg19) VCF-style: chr1-31439060-G-A.
Other names: c.1855C>T, p.Pro619Ser (NM_014676.3); short protein forms P619S.
Identifiers: ClinVar variation 2580487 (VCV002580487.1), dbSNP rs2521564367, ClinGen allele CA339566459.